The following is an entry in ClinVar:

ClinVar aggregate classification (germline): Uncertain significance (1 of 4 stars; one submission).

Conditions:
Familial sleep-related hypermotor epilepsy. Also called: Autosomal Dominant Sleep-Related Hypermotor (Hyperkinetic) Epilepsy. Identifiers: Orphanet 98784, MedGen C3696898, MONDO:0000030.

Allele frequency attached by ClinVar (database versions not stated): TOPMed below 0.00001.

Submission:

Labcorp Genetics (formerly Invitae), Labcorp
Classification: Uncertain significance. Last evaluated: 2024-11-11. Review status: criteria provided, single submitter. Criteria: Invitae Variant Classification Sherloc (09022015). Collection method: clinical testing. Allele origin: germline.
Comment: This sequence change replaces glutamine, which is neutral and polar, with arginine, which is basic and polar, at codon 367 of the CHRNB2 protein (p.Gln367Arg). This variant is not present in population databases (gnomAD no frequency). This variant has not been reported in the literature in individuals affected with CHRNB2-related conditions. ClinVar contains an entry for this variant (Variation ID: 2069388). Invitae Evidence Modeling of protein sequence and biophysical properties (such as structural, functional, and spatial information, amino acid conservation, physicochemical variation, residue mobility, and thermodynamic stability) indicates that this missense variant is not expected to disrupt CHRNB2 protein function with a negative predictive value of 80%. In summary, the available evidence is currently insufficient to determine the role of this variant in disease. Therefore, it has been classified as a Variant of Uncertain Significance.

NM_000748.3(CHRNB2):c.1100A>G (p.Gln367Arg)

Gene: CHRNB2 (cholinergic receptor nicotinic beta 2 subunit; plus strand). Cytogenetic location: 1q21.3.
Variant type: single nucleotide variant.
Coding change: c.1100A>G on transcript NM_000748.3 (MANE Select); coding-DNA position 1100, A replaced by G.
Protein change: p.Gln367Arg; replaces glutamine 367 with arginine.
Molecular consequence: missense variant.
Genome position (GRCh38, 1-based): chr1:154,571,923, A>G. VCF-style: chr1-154571923-A-G. GRCh37 (hg19) VCF-style: chr1-154544399-A-G.
Other names: short protein forms Q367R.
Identifiers: ClinVar variation 2069388 (VCV002069388.4), dbSNP rs1696175533, ClinGen allele CA342631481.